The following is an entry in ClinVar:

NM_002769.5(PRSS1):c.386C>G (p.Pro129Arg)

Genes: PRSS1 (serine protease 1; plus strand), TRB (T cell receptor beta locus; plus strand). Cytogenetic location: 7q34.
Variant type: single nucleotide variant.
Coding change: c.386C>G on transcript NM_002769.5 (MANE Select); coding-DNA position 386, C replaced by G.
Protein change: p.Pro129Arg; replaces proline 129 with arginine.
Molecular consequence: missense variant. On other transcripts: non-coding transcript variant (5).
Genome position (GRCh38, 1-based): chr7:142,751,959, C>G. VCF-style: chr7-142751959-C-G. GRCh37 (hg19) VCF-style: chr7-142459810-C-G.
Other names: short protein forms P129R.
Identifiers: ClinVar variation 1735674 (VCV001735674.2), dbSNP rs768673799, ClinGen allele CA369609022.

ClinVar aggregate classification (germline): Uncertain significance (1 of 4 stars; one submission).

Conditions:
Hereditary pancreatitis (PCTT). Also called: Hereditary chronic pancreatitis; PRSS1-Related Hereditary Pancreatitis. Identifiers: Orphanet 676, MedGen C0238339, MONDO:0008185, OMIM 167800.

Submission:

Ambry Genetics
Classification: Uncertain significance for Hereditary pancreatitis. Last evaluated: 2021-07-26. Review status: criteria provided, single submitter. Criteria: Ambry Variant Classification Scheme 2023. Collection method: clinical testing. Allele origin: germline.
Comment: The p.P129R variant (also known as c.386C>G), located in coding exon 3 of the PRSS1 gene, results from a C to G substitution at nucleotide position 386. The proline at codon 129 is replaced by arginine, an amino acid with dissimilar properties. This amino acid position is conserved. In addition, this alteration is predicted to be deleterious by in silico analysis. Since supporting evidence is limited at this time, the clinical significance of this alteration remains unclear.